The following is an entry in ClinVar:

NM_001377.3(DYNC2H1):c.1096del (p.Thr366fs)

Gene: DYNC2H1 (dynein cytoplasmic 2 heavy chain 1; plus strand). Cytogenetic location: 11q22.3.
Variant type: Deletion.
Coding change: c.1096del on transcript NM_001377.3 (MANE Select); coding-DNA position 1096, one base deleted (A; older notation c.1096delA).
Protein change: p.Thr366fs; shifts the reading frame from threonine 366.
Molecular consequence: frameshift variant.
Genome position (GRCh38, 1-based): chr11:103,120,543, A deleted. VCF-style (leftmost placement, unchanged base first): chr11-103120542-TA-T. GRCh37 (hg19) VCF-style: chr11-102991271-TA-T.
Other names: c.1096del, p.Thr366fs (NM_001080463.2); short protein forms T366fs.
Identifiers: ClinVar variation 5014482 (VCV005014482.1).

ClinVar aggregate classification (germline): Pathogenic (1 of 4 stars; one submission).

Conditions:
Asphyxiating thoracic dystrophy 3. Also called: SHORT-RIB THORACIC DYSPLASIA 3 WITH OR WITHOUT POLYDACTYLY; POLYDACTYLY WITH NEONATAL CHONDRODYSTROPHY, TYPE I; SHORT-RIB THORACIC DYSPLASIA 3/6 WITH POLYDACTYLY, DIGENIC; Short rib polydactyly syndrome 2B; Saldino-Noonan Syndrome. Identifiers: Orphanet 474, Orphanet 93269, Orphanet 93270, Orphanet 93271, MedGen C0036069, MONDO:0013127, OMIM 613091.

Submission:

Myriad Genetics, Inc.
Classification: Pathogenic for Asphyxiating thoracic dystrophy 3. Last evaluated: 2025-05-20. Review status: criteria provided, single submitter. Criteria: Myriad Autosomal Dominant, Autosomal Recessive and X-Linked Classification Criteria (2023). Collection method: clinical testing. Allele origin: unknown.
Comment: NM_001377.2(DYNC2H1):c.1096delA(T366Lfs*3) is expected to be pathogenic in the context of DYNC2H1-related disorders. This variant is predicted to lead to an abnormal or absent protein product due to the creation of a premature termination codon in DYNC2H1, a gene where loss-of-function variants are known to be pathogenic. Please note: this variant was assessed in the context of healthy population screening.